The following is an entry in ClinVar:

NM_003906.5(MCM3AP):c.4729G>A (p.Glu1577Lys)

Genes: MCM3AP (minichromosome maintenance complex component 3 associated protein; minus strand), MCM3AP-AS1 (MCM3AP antisense RNA 1; plus strand). Cytogenetic location: 21q22.3.
Variant type: single nucleotide variant.
Coding change: c.4729G>A on transcript NM_003906.5 (MANE Select); coding-DNA position 4729, G replaced by A.
Protein change: p.Glu1577Lys; replaces glutamic acid 1577 with lysine.
Molecular consequence: missense variant.
Genome position (GRCh38, 1-based): chr21:46,245,116, C>T on the plus strand (G>A on the coding strand, the complement: MCM3AP is on the minus strand). VCF-style: chr21-46245116-C-T. GRCh37 (hg19) VCF-style: chr21-47665030-C-T.
Other names: short protein forms E1577K.
Identifiers: ClinVar variation 1410060 (VCV001410060.6), dbSNP rs779630101, ClinGen allele CA10076028.

ClinVar aggregate classification (germline): Uncertain significance (1 of 4 stars; one submission).

Allele frequency attached by ClinVar (database versions not stated): gnomAD exomes 0.00001; TOPMed 0.00001; ExAC 0.00002.
gnomAD v4.1: 9 of 1,614,192 alleles (0.00056%); highest among the groups gnomAD compares: South Asian, 0.0011%; no homozygotes.

Submission:

Labcorp Genetics (formerly Invitae), Labcorp
Classification: Uncertain significance. Last evaluated: 2021-08-05. Review status: criteria provided, single submitter. Criteria: Invitae Variant Classification Sherloc (09022015). Collection method: clinical testing. Allele origin: germline.
Comment: Algorithms developed to predict the effect of missense changes on protein structure and function are either unavailable or do not agree on the potential impact of this missense change (SIFT: "Deleterious"; PolyPhen-2: "Probably Damaging"; Align-GVGD: "Class C0"). This missense change has been observed in individual(s) with Charcot-Marie-Tooth disease (PMID: 28633435). In at least one individual the data is consistent with the variant being in trans (on the opposite chromosome) from a pathogenic variant. It has also been observed to segregate with disease in related individuals. This variant is present in population databases (rs779630101, ExAC 0.003%). This sequence change replaces glutamic acid with lysine at codon 1577 of the MCM3AP protein (p.Glu1577Lys). The glutamic acid residue is highly conserved and there is a small physicochemical difference between glutamic acid and lysine. In summary, the available evidence is currently insufficient to determine the role of this variant in disease. Therefore, it has been classified as a Variant of Uncertain Significance.

Literature cited by the submitters: PubMed 28633435.